The following is an entry in ClinVar:

ClinVar aggregate classification (germline): Benign. Review status: criteria provided, multiple submitters, no conflicts (2 of 4 stars). 4 submissions from 4 submitters: Benign (4). Last evaluated 2026-01-30.

Allele frequency attached by ClinVar (database versions not stated): 1000 Genomes Project 30x 0.00406; 1000 Genomes Project 0.00419; TOPMed 0.00866; gnomAD exomes 0.00907 and 0.01364; ExAC 0.00942; gnomAD 0.00951 and 0.00977; ESP Exome Variant Server 0.01085.
gnomAD v4.1: 21,023 of 1,606,760 alleles (1.3%); highest among the groups gnomAD compares: Non-Finnish European, 1.6%; 181 homozygotes.

Submissions (4):

Labcorp Genetics (formerly Invitae), Labcorp
Classification: Benign. Last evaluated: 2026-01-30. Review status: criteria provided, single submitter. Criteria: Invitae Variant Classification Sherloc (09022015). Collection method: clinical testing. Allele origin: germline.

Mayo Clinic Laboratories, Mayo Clinic
Classification: Benign. Last evaluated: 2022-03-03. Review status: criteria provided, single submitter. Criteria: ACMG Guidelines, 2015. Collection method: clinical testing. Allele origin: germline. Observed: 5 variant alleles.
Comment: BS1, BS2, BP4, BP7

Breakthrough Genomics
Classification: Benign. Review status: criteria provided, single submitter. Criteria: ACMG Guidelines, 2015. Collection method: not provided. Allele origin: germline. Inheritance: Autosomal recessive inheritance. Affected: yes.

PreventionGenetics, part of Exact Sciences
Classification: Benign. Review status: criteria provided, single submitter. Criteria: ACMG Guidelines, 2015. Collection method: clinical testing. Allele origin: germline.

NM_025193.4(HSD3B7):c.975C>T (p.Ala325=)

Gene: HSD3B7 (hydroxy-delta-5-steroid dehydrogenase, 3 beta- and steroid delta-isomerase 7; plus strand). Cytogenetic location: 16p11.2.
Variant type: single nucleotide variant.
Coding change: c.975C>T on transcript NM_025193.4 (MANE Select); coding-DNA position 975, C replaced by T.
Protein change: p.Ala325=; no amino-acid change (alanine 325 retained).
Molecular consequence: synonymous variant. On other transcripts: 3 prime UTR variant (2).
Genome position (GRCh38, 1-based): chr16:30,988,048, C>T. VCF-style: chr16-30988048-C-T. GRCh37 (hg19) VCF-style: chr16-30999369-C-T.
Other names: p.Ala325=; c.*221C>T (NM_001142777.2, NM_001142778.2).
Identifiers: ClinVar variation 261876 (VCV000261876.13), dbSNP rs149918713, ClinGen allele CA8018150.